The following is an entry in ClinVar:

NM_001370.2(DNAH6):c.10507G>C (p.Glu3503Gln)

Gene: DNAH6 (dynein axonemal heavy chain 6; plus strand). Cytogenetic location: 2p11.2.
Variant type: single nucleotide variant.
Coding change: c.10507G>C on transcript NM_001370.2 (MANE Select); coding-DNA position 10507, G replaced by C.
Protein change: p.Glu3503Gln; replaces glutamic acid 3503 with glutamine.
Molecular consequence: missense variant.
Genome position (GRCh38, 1-based): chr2:84,745,244, G>C. VCF-style: chr2-84745244-G-C. GRCh37 (hg19) VCF-style: chr2-84972368-G-C.
Other names: short protein forms E3503Q.
Identifiers: ClinVar variation 3354287 (VCV003354287.1).
Genomic context (GRCh38, chr2:84,745,244, plus strand): 5'-CCATGGAGTGCAGGATTGAGTTCTTTCCATAAGCTAATTCTTATTAAATGTTGTAAAGAA[G>C]AAAAGGTAGGGCATTTTTTTAATTAAAGGACTGTGTTACAATTATTTCTACTAAAGCTCA-3'
Protein context (NP_001361.1, residues 3493-3513): KLILIKCCKE[Glu3503Gln]KVVFALTDFV

ClinVar aggregate classification (germline): Uncertain significance (0 of 4 stars; one submission).

Conditions:
DNAH6-related disorder. Also called: DNAH6-related condition.

gnomAD v4.1: 9 of 1,487,828 alleles (0.0006%); highest among the groups gnomAD compares: Admixed American, 0.0051%; no homozygotes.

Submission:

PreventionGenetics, part of Exact Sciences
Classification: Uncertain significance for DNAH6-related condition. Last evaluated: 2024-06-03. Review status: no assertion criteria provided. Collection method: clinical testing. Allele origin: germline.
Comment: The DNAH6 c.10507G>C variant is predicted to result in the amino acid substitution p.Glu3503Gln. To our knowledge, this variant has not been reported in the literature. This variant is reported in 0.0065% of alleles in individuals of European (Non-Finnish) descent in gnomAD. At this time, the clinical significance of this variant is uncertain due to the absence of conclusive functional and genetic evidence.